The following is an entry in ClinVar:

ClinVar aggregate classification (germline): Uncertain significance (1 of 4 stars; one submission).

Conditions:
Renal coloboma syndrome (PAPRS). Also called: PAPILLORENAL SYNDROME; COLOBOMA OF OPTIC NERVE WITH RENAL DISEASE; OPTIC COLOBOMA, VESICOURETERAL REFLUX, AND RENAL ANOMALIES; OPTIC NERVE COLOBOMA WITH RENAL DISEASE; RENAL-COLOBOMA SYNDROME WITH MACULAR ABNORMALITIES; PAPILLORENAL SYNDROME WITH MILD OCULAR ABNORMALITIES. Identifiers: Orphanet 1475, MedGen C1852759, MONDO:0007352, OMIM 120330.
Focal segmental glomerulosclerosis 7 (FSGS7). Identifiers: Orphanet 656, MedGen C4014925, MONDO:0014451, OMIM 616002.

Allele frequency attached by ClinVar (database versions not stated): gnomAD exomes below 0.00001.
gnomAD v4.1: 2 of 1,612,390 alleles (0.00012%); highest among the groups gnomAD compares: East Asian, 0.0045%; no homozygotes.

Submission:

Labcorp Genetics (formerly Invitae), Labcorp
Classification: Uncertain significance for Renal coloboma syndrome; Focal segmental glomerulosclerosis 7. Last evaluated: 2022-12-15. Review status: criteria provided, single submitter. Criteria: Invitae Variant Classification Sherloc (09022015). Collection method: clinical testing. Allele origin: germline.
Comment: In summary, the available evidence is currently insufficient to determine the role of this variant in disease. Therefore, it has been classified as a Variant of Uncertain Significance. Experimental studies and prediction algorithms are not available or were not evaluated, and the functional significance of this variant is currently unknown. This variant has not been reported in the literature in individuals affected with PAX2-related conditions. This variant is present in population databases (no rsID available, gnomAD 0.006%). This sequence change replaces glycine, which is neutral and non-polar, with valine, which is neutral and non-polar, at codon 369 of the PAX2 protein (p.Gly369Val).

NM_000278.5(PAX2):c.1023G>T (p.Gly341=)

Gene: PAX2 (paired box 2; plus strand). Cytogenetic location: 10q24.31.
Variant type: single nucleotide variant.
Coding change: c.1023G>T on transcript NM_000278.5 (MANE Select); coding-DNA position 1023, G replaced by T.
Protein change: p.Gly341=; no amino-acid change (glycine 341 retained).
Molecular consequence: synonymous variant. On other transcripts: missense variant (1).
Genome position (GRCh38, 1-based): chr10:100,827,010, G>T. VCF-style: chr10-100827010-G-T. GRCh37 (hg19) VCF-style: chr10-102586767-G-T.
Other names: c.1116G>T, p.Gly372= (NM_001304569.2); c.1092G>T, p.Gly364= (NM_003987.5, NM_003990.5); c.1106G>T, p.Gly369Val (NM_003988.5); c.1023G>T, p.Gly341= (NM_003989.5); short protein forms G369V.
Identifiers: ClinVar variation 2942339 (VCV002942339.3), dbSNP rs1229514408, ClinGen allele CA378259919.